The following is an entry in ClinVar:

NM_001267550.2(TTN):c.83323A>G (p.Ile27775Val)

Genes: TTN (titin; minus strand), TTN-AS1 (TTN antisense RNA 1; plus strand). Cytogenetic location: 2q31.2.
Variant type: single nucleotide variant.
Coding change: c.83323A>G on transcript NM_001267550.2 (MANE Select); coding-DNA position 83323, A replaced by G.
Protein change: p.Ile27775Val; replaces isoleucine 27775 with valine.
Molecular consequence: missense variant.
Genome position (GRCh38, 1-based): chr2:178,562,809, T>C on the plus strand (A>G on the coding strand, the complement: TTN is on the minus strand). VCF-style: chr2-178562809-T-C. GRCh37 (hg19) VCF-style: chr2-179427536-T-C.
Other names: p.I26134V:ATA>GTA; c.78400A>G, p.Ile26134Val (NM_001256850.1); c.56128A>G, p.Ile18710Val (NM_003319.4); c.75619A>G, p.Ile25207Val (NM_133378.4); c.56503A>G, p.Ile18835Val (NM_133432.3); c.56704A>G, p.Ile18902Val (NM_133437.4); short protein forms I27775V, I25207V, I26134V, I18835V, I18902V, I18710V.
Identifiers: ClinVar variation 47425 (VCV000047425.39), dbSNP rs3829746, ClinGen allele CA283931.

ClinVar aggregate classification (germline): Benign/Likely benign. Review status: criteria provided, multiple submitters, no conflicts (2 of 4 stars). 25 submissions from 18 submitters: Benign (20); Likely benign (2). 3 of the submissions do not count toward it. Last evaluated 2026-02-04.

Conditions:
Cardiovascular phenotype. Identifiers: MedGen CN230736.
Dilated cardiomyopathy 1G (CMD1G). Identifiers: Orphanet 154, MedGen C1858763, MONDO:0011400, OMIM 604145.
Autosomal recessive limb-girdle muscular dystrophy type 2J (LGMDR10). Also called: MUSCULAR DYSTROPHY, LIMB-GIRDLE, AUTOSOMAL RECESSIVE 10; Limb-girdle muscular dystrophy, type 2J. Identifiers: Orphanet 140922, MedGen C1837342, MONDO:0012127, OMIM 608807.
Early-onset myopathy with fatal cardiomyopathy (CMYO5). Also called: CONGENITAL MYOPATHY 5 WITH CARDIOMYOPATHY; Salih Myopathy. Identifiers: Orphanet 289377, MedGen C2673677, MONDO:0012714, OMIM 611705. Disease mechanism: loss of function.
Myopathy, myofibrillar, 9, with early respiratory failure (MFM9). Also called: Myopathy, distal, with early respiratory failure, autosomal dominant; Hereditary myopathy with early respiratory failure; MYOPATHY, PROXIMAL, WITH EARLY RESPIRATORY MUSCLE INVOLVEMENT; EDSTROM MYOPATHY. Identifiers: Orphanet 178464, Orphanet 34521, MedGen C1863599, MONDO:0011362, OMIM 603689.
Tibial muscular dystrophy (TMD). Also called: Udd Distal Myopathy – Tibial Muscular Dystrophy; Tibial muscular dystrophy, tardive; UDD MYOPATHY. Identifiers: Orphanet 609, MedGen C1838244, MONDO:0010870, OMIM 600334.

Allele frequency attached by ClinVar (database versions not stated): gnomAD exomes 0.26703 and 0.35224; gnomAD 0.35516 and 0.36127; TOPMed 0.37609; 1000 Genomes Project 30x 0.50281; 1000 Genomes Project 0.50839; ESP Exome Variant Server 0.31999; ExAC 0.35359.
gnomAD v4.1: 447,208 of 1,612,474 alleles (28%); highest among the groups gnomAD compares: East Asian, 69%; 74,712 homozygotes.

Submissions (25):

Labcorp Genetics (formerly Invitae), Labcorp
Classification: Benign for Dilated cardiomyopathy 1G; Autosomal recessive limb-girdle muscular dystrophy type 2J. Last evaluated: 2026-02-04. Review status: criteria provided, single submitter. Criteria: Invitae Variant Classification Sherloc (09022015). Collection method: clinical testing. Allele origin: germline.

Molecular Diagnostic Laboratory for Inherited Cardiovascular Disease, Montreal Heart Institute
Classification: Benign. Last evaluated: 2025-04-09. Review status: criteria provided, single submitter. Criteria: ACMG Guidelines, 2015. Collection method: clinical testing. Allele origin: germline. Affected: no.
Comment: BA1

Genome-Nilou Lab
Classification: Benign for Autosomal recessive limb-girdle muscular dystrophy type 2J. Last evaluated: 2021-09-10. Review status: criteria provided, single submitter. Criteria: ACMG Guidelines, 2015. Collection method: clinical testing. Allele origin: germline. Affected: no.

Genome-Nilou Lab
Classification: Benign for Myopathy, myofibrillar, 9, with early respiratory failure. Last evaluated: 2021-09-10. Review status: criteria provided, single submitter. Criteria: ACMG Guidelines, 2015. Collection method: clinical testing. Allele origin: germline. Affected: no.

Genome-Nilou Lab
Classification: Benign for Early-onset myopathy with fatal cardiomyopathy. Last evaluated: 2021-09-10. Review status: criteria provided, single submitter. Criteria: ACMG Guidelines, 2015. Collection method: clinical testing. Allele origin: germline. Affected: no.

Genome-Nilou Lab
Classification: Benign for Tibial muscular dystrophy. Last evaluated: 2021-09-10. Review status: criteria provided, single submitter. Criteria: ACMG Guidelines, 2015. Collection method: clinical testing. Allele origin: germline. Affected: no.

Women's Health and Genetics/Laboratory Corporation of America, LabCorp
Classification: Likely benign. Last evaluated: 2020-08-18. Review status: criteria provided, single submitter. Criteria: LabCorp Variant Classification Summary - May 2015. Collection method: clinical testing. Allele origin: germline.

Athena Diagnostics
Classification: Benign. Last evaluated: 2018-11-02. Review status: criteria provided, single submitter. Criteria: Athena Diagnostics Criteria. Collection method: clinical testing. Allele origin: germline.

Illumina Laboratory Services, Illumina
Classification: Benign for Tibial muscular dystrophy. Last evaluated: 2018-01-13. Review status: criteria provided, single submitter. Criteria: ICSL Variant Classification Criteria 13 December 2019. Collection method: clinical testing. Allele origin: germline.
Comment: This variant was observed in the ICSL laboratory as part of a predisposition screen in an ostensibly healthy population. It had not been previously curated by ICSL or reported in the Human Gene Mutation Database (HGMD: prior to June 1st, 2018), and was therefore a candidate for classification through an automated scoring system. Utilizing variant allele frequency, disease prevalence and penetrance estimates, and inheritance mode, an automated score was calculated to assess if this variant is too frequent to cause the disease. Based on the score and internal cut-off values, a variant classified as benign is not then subjected to further curation. The score for this variant resulted in a classification of benign for this disease.

Illumina Laboratory Services, Illumina
Classification: Benign for Autosomal recessive limb-girdle muscular dystrophy type 2J. Last evaluated: 2018-01-13. Review status: criteria provided, single submitter. Criteria: ICSL Variant Classification Criteria 13 December 2019. Collection method: clinical testing. Allele origin: germline.
Comment: the same text as in the submission from Illumina Laboratory Services, Illumina above.

Illumina Laboratory Services, Illumina
Classification: Benign for Dilated cardiomyopathy 1G. Last evaluated: 2018-01-13. Review status: criteria provided, single submitter. Criteria: ICSL Variant Classification Criteria 13 December 2019. Collection method: clinical testing. Allele origin: germline.
Comment: the same text as in the submission from Illumina Laboratory Services, Illumina above.

Illumina Laboratory Services, Illumina
Classification: Benign for Early-onset myopathy with fatal cardiomyopathy. Last evaluated: 2018-01-13. Review status: criteria provided, single submitter. Criteria: ICSL Variant Classification Criteria 13 December 2019. Collection method: clinical testing. Allele origin: germline.
Comment: the same text as in the submission from Illumina Laboratory Services, Illumina above.

Illumina Laboratory Services, Illumina
Classification: Benign for Myopathy, myofibrillar, 9, with early respiratory failure. Last evaluated: 2018-01-13. Review status: criteria provided, single submitter. Criteria: ICSL Variant Classification Criteria 13 December 2019. Collection method: clinical testing. Allele origin: germline.
Comment: the same text as in the submission from Illumina Laboratory Services, Illumina above.

Mayo Clinic Laboratories, Mayo Clinic
Classification: Benign. Last evaluated: 2017-08-24. Review status: criteria provided, single submitter. Criteria: ACMG Guidelines, 2015. Collection method: clinical testing. Allele origin: germline. Observed: 1,167 variant alleles.

Genetic Services Laboratory, University of Chicago
Classification: Benign for AllHighlyPenetrant. Last evaluated: 2013-08-15. Review status: criteria provided, single submitter. Criteria: ACMG Guidelines, 2007. Collection method: clinical testing. Allele origin: germline.

Eurofins Ntd Llc (ga)
Classification: Benign. Last evaluated: 2013-07-23. Review status: criteria provided, single submitter. Criteria: EGL Classification Definitions 2015. Collection method: clinical testing. Allele origin: germline. Observed: 8 variant alleles, 6 heterozygotes, 2 homozygotes.

Biesecker Lab/Clinical Genomics Section, National Institutes of Health
Classification: Benign. Last evaluated: 2013-06-24. Review status: criteria provided, single submitter. Criteria: Ng et al. (Circ Cardiovasc Genet. 2013). Collection method: research. Allele origin: unknown. Observed: 224 variant alleles. Study: ClinSeq.
Comment: The study set was not selected for affection status in relation to any cancer. Pathogenicity categories were based on literature curation. See Pubmed ID:23861362 for details.

Medical sequencing

Ambry Genetics
Classification: Benign for Cardiovascular phenotype. Last evaluated: 2013-01-16. Review status: criteria provided, single submitter. Criteria: Ambry Autosomal Dominant and X-Linked criteria (10/2015). Collection method: clinical testing. Allele origin: germline. Observed: 1 variant allele.

GeneDx
Classification: Benign. Last evaluated: 2012-10-31. Review status: criteria provided, single submitter. Criteria: GeneDx Variant Classification (06012015). Collection method: clinical testing. Allele origin: germline. Affected: yes.
Comment: This variant is considered likely benign or benign based on one or more of the following criteria: it is a conservative change, it occurs at a poorly conserved position in the protein, it is predicted to be benign by multiple in silico algorithms, and/or has population frequency not consistent with disease.

Laboratory for Molecular Medicine, Mass General Brigham Personalized Medicine
Classification: Benign. Last evaluated: 2011-09-27. Review status: criteria provided, single submitter. Criteria: LMM Criteria. Collection method: clinical testing. Allele origin: germline. Observed: 895 variant alleles.

Breakthrough Genomics
Classification: Likely benign. Review status: criteria provided, single submitter. Criteria: ACMG Guidelines, 2015. Collection method: not provided. Allele origin: germline. Inheritance: Autosomal recessive inheritance. Affected: yes.

PreventionGenetics, part of Exact Sciences
Classification: Benign. Review status: criteria provided, single submitter. Criteria: ACMG Guidelines, 2015. Collection method: clinical testing. Allele origin: germline.

Clinical Genetics DNA and cytogenetics Diagnostics Lab, Erasmus MC, Erasmus Medical Center
Classification: Benign. Review status: no assertion criteria provided. Collection method: clinical testing. Allele origin: germline. Affected: yes. Study: VKGL Data-share Consensus. Not counted in ClinVar's aggregate classification.

Clinical Genetics, Academic Medical Center
Classification: Benign. Review status: no assertion criteria provided. Collection method: clinical testing. Allele origin: germline. Affected: yes. Study: VKGL Data-share Consensus. Not counted in ClinVar's aggregate classification.

Joint Genome Diagnostic Labs from Nijmegen and Maastricht, Radboudumc and MUMC+
Classification: Benign. Review status: no assertion criteria provided. Collection method: clinical testing. Allele origin: germline. Affected: yes. Study: VKGL Data-share Consensus. Not counted in ClinVar's aggregate classification.